The following is an entry in ClinVar:

ClinVar aggregate classification (germline): Uncertain significance (1 of 4 stars; one submission).

Allele frequency attached by ClinVar (database versions not stated): gnomAD 0.00001; gnomAD exomes 0.00001; ExAC 0.00002; TOPMed 0.00002.
gnomAD v4.1: 5 of 1,614,090 alleles (0.00031%); highest among the groups gnomAD compares: Admixed American, 0.0083%; no homozygotes.

Submission:

Ambry Genetics
Classification: Uncertain significance. Last evaluated: 2022-08-30. Review status: criteria provided, single submitter. Criteria: Ambry Variant Classification Scheme 2023. Collection method: clinical testing. Allele origin: germline.
Comment: The p.R476I variant (also known as c.1427G>T), located in coding exon 3 of the ALPK2 gene, results from a G to T substitution at nucleotide position 1427. The arginine at codon 476 is replaced by isoleucine, an amino acid with similar properties. This amino acid position is conserved. In addition, this alteration is predicted to be tolerated by in silico analysis. Since supporting evidence is limited at this time, the clinical significance of this alteration remains unclear.

NM_052947.4(ALPK2):c.1427G>T (p.Arg476Ile)

Gene: ALPK2 (alpha kinase 2; minus strand). Cytogenetic location: 18q21.31.
Variant type: single nucleotide variant.
Coding change: c.1427G>T on transcript NM_052947.4 (MANE Select); coding-DNA position 1427, G replaced by T.
Protein change: p.Arg476Ile; replaces arginine 476 with isoleucine.
Molecular consequence: missense variant.
Genome position (GRCh38, 1-based): chr18:58,579,349, C>A on the plus strand (G>T on the coding strand, the complement: ALPK2 is on the minus strand). VCF-style: chr18-58579349-C-A. GRCh37 (hg19) VCF-style: chr18-56246581-C-A.
Other names: short protein forms R476I.
Identifiers: ClinVar variation 1772403 (VCV001772403.2), dbSNP rs746049016, ClinGen allele CA8977258.